The following is an entry in ClinVar:

NM_000540.3(RYR1):c.10689C>G (p.Val3563=)

Gene: RYR1 (ryanodine receptor 1; plus strand). Cytogenetic location: 19q13.2.
Variant type: single nucleotide variant.
Coding change: c.10689C>G on transcript NM_000540.3 (MANE Select); coding-DNA position 10689, C replaced by G.
Protein change: p.Val3563=; no amino-acid change (valine 3563 retained).
Molecular consequence: synonymous variant.
Genome position (GRCh38, 1-based): chr19:38,527,649, C>G. VCF-style: chr19-38527649-C-G. GRCh37 (hg19) VCF-style: chr19-39018289-C-G.
Other names: c.10674C>G, p.Val3558= (NM_001042723.2).
Identifiers: ClinVar variation 2726168 (VCV002726168.4), dbSNP rs1442635383, ClinGen allele CA507237489.

ClinVar aggregate classification (germline): Conflicting classifications of pathogenicity. Review status: criteria provided, conflicting classifications (1 of 4 stars). 2 submissions from 2 submitters: Uncertain significance (1); Likely benign (1). Last evaluated 2023-08-23.

Conditions:
Malignant hyperthermia, susceptibility to, 1 (MHS1). Also called: Anesthesia related hyperthermia; Malignant hyperpyrexia; Fulminating hyperpyrexia; Pharmacogenic myopathy; RYR1-Related Malignant Hyperthermia Susceptibility; Malignant hyperthermia suceptibility 1. Identifiers: Orphanet 423, MedGen C2930980, MONDO:0007783, OMIM 145600.
RYR1-related disorder. Also called: RYR1-related disorders; RYR1-related condition. Identifiers: MedGen CN239331.

gnomAD v4.1: 9 of 1,614,016 alleles (0.00056%); highest among the groups gnomAD compares: East Asian, 0.0022%; no homozygotes.

Submissions (2):

All of Us Research Program, National Institutes of Health
Classification: Uncertain significance for Malignant hyperthermia, susceptibility to, 1. Last evaluated: 2023-08-23. Review status: criteria provided, single submitter. Criteria: ACMG Guidelines, 2015. Collection method: clinical testing. Allele origin: germline. Inheritance: Autosomal dominant inheritance. Observed: 1 variant allele, 1 heterozygote.
Comment: This variant is located in the RYR1 protein. To our knowledge, functional studies have not been reported for this variant. This variant has not been reported in individuals affected with RYR1-related disorders in the literature. This variant has not been identified in the general population by the Genome Aggregation Database (gnomAD). The available evidence is insufficient to determine the role of this variant in disease conclusively. Therefore, this variant is classified as a Variant of Uncertain Significance.

This study involves interpretation of variants in research participants for the purpose of population health screening. Participant phenotype was not available at the time of variant classification. Additional details can be found in publication PMID: 35346344, PMCID: PMC8962531

Labcorp Genetics (formerly Invitae), Labcorp
Classification: Likely benign for RYR1-related disorder. Last evaluated: 2023-05-16. Review status: criteria provided, single submitter. Criteria: Invitae Variant Classification Sherloc (09022015). Collection method: clinical testing. Allele origin: germline.